The following is an entry in ClinVar:

NM_201384.3(PLEC):c.2879C>T (p.Ser960Phe)

Gene: PLEC (plectin; minus strand). Cytogenetic location: 8q24.3.
Variant type: single nucleotide variant.
Coding change: c.2879C>T on transcript NM_201384.3 (MANE Select); coding-DNA position 2879, C replaced by T.
Protein change: p.Ser960Phe; replaces serine 960 with phenylalanine.
Molecular consequence: missense variant.
Genome position (GRCh38, 1-based): chr8:143,929,690, G>A on the plus strand (C>T on the coding strand, the complement: PLEC is on the minus strand). VCF-style: chr8-143929690-G-A. GRCh37 (hg19) VCF-style: chr8-145003858-G-A.
Other names: c.2960C>T, p.Ser987Phe (NM_000445.5); c.2837C>T, p.Ser946Phe (NM_201378.4); c.2813C>T, p.Ser938Phe (NM_201379.3); c.3290C>T, p.Ser1097Phe (NM_201380.4); c.2783C>T, p.Ser928Phe (NM_201381.3); c.2879C>T, p.Ser960Phe (NM_201382.4); c.2891C>T, p.Ser964Phe (NM_201383.3); short protein forms S928F, S946F, S1097F, S960F, S987F, S938F, S964F.
Identifiers: ClinVar variation 1372366 (VCV001372366.8), dbSNP rs782135233, ClinGen allele CA4927313.
Genomic context (GRCh38, chr8:143,929,690, plus strand): 5'-CCCTGCCGTGCCCTACCCTGTTCCAGGCTCTGCAGCAGCTGCTGGTAGTGGTGGCTGCAG[G>A]AGCCGTACTCGCGCTCAGCCATCAGCCGGTCCTCGGGTCCGAAGCCGCCCGCGTCCTGGC-3'
Protein context (NP_958786.1, residues 950-970): DRLMAEREYG[Ser960Phe]CSHHYQQLLQ

ClinVar aggregate classification (germline): Uncertain significance (1 of 4 stars; one submission).

Conditions:
Epidermolysis bullosa simplex 5C, with pyloric atresia (EBS5C). Also called: PLEC-Related Epidermolysis Bullosa with Pyloric Atresia; Epidermolysis bullosa simplex with pyloric atresia; PLEC1-Related Epidermolysis Bullosa with Pyloric Atresia. Identifiers: Orphanet 158684, MedGen C2677349, MONDO:0012807, OMIM 612138.
Epidermolysis bullosa simplex 5B, with muscular dystrophy (EBS5B). Also called: EPIDERMOLYSIS BULLOSA SIMPLEX AND LIMB-GIRDLE MUSCULAR DYSTROPHY; Epidermolysis bullosa simplex with muscular dystrophy. Identifiers: Orphanet 257, MedGen C2931072, MONDO:0009181, OMIM 226670.
Epidermolysis bullosa simplex, Ogna type (EBS5A). Also called: Pidermolysis bullosa simplex 5A, Ogna type; EPIDERMOLYSIS BULLOSA SIMPLEX 5A, OGNA TYPE. Identifiers: Orphanet 79401, MedGen C0432317, MONDO:0007555, OMIM 131950.
Autosomal recessive limb-girdle muscular dystrophy type 2Q (LGMDR17). Also called: MUSCULAR DYSTROPHY, LIMB-GIRDLE, AUTOSOMAL RECESSIVE 17. Identifiers: Orphanet 254361, MedGen C3150989, MONDO:0013390, OMIM 613723.
Epidermolysis bullosa simplex with nail dystrophy (EBS5D). Identifiers: MedGen C4225309, MONDO:0014661, OMIM 616487.

Allele frequency attached by ClinVar (database versions not stated): gnomAD exomes below 0.00001; ExAC 0.00001.
gnomAD v4.1: 3 of 1,600,152 alleles (0.00019%); highest among the groups gnomAD compares: Non-Finnish European, 0.00025%; no homozygotes.

Submission:

Labcorp Genetics (formerly Invitae), Labcorp
Classification: Uncertain significance for Autosomal recessive limb-girdle muscular dystrophy type 2Q; Epidermolysis bullosa simplex, Ogna type; Epidermolysis bullosa simplex with nail dystrophy; Epidermolysis bullosa simplex 5C, with pyloric atresia; Epidermolysis bullosa simplex 5B, with muscular dystrophy. Last evaluated: 2023-11-02. Review status: criteria provided, single submitter. Criteria: Invitae Variant Classification Sherloc (09022015). Collection method: clinical testing. Allele origin: germline.
Comment: This sequence change replaces serine, which is neutral and polar, with phenylalanine, which is neutral and non-polar, at codon 987 of the PLEC protein (p.Ser987Phe). This variant is present in population databases (rs782135233, gnomAD 0.001%). This variant has not been reported in the literature in individuals affected with PLEC-related conditions. ClinVar contains an entry for this variant (Variation ID: 1372366). Advanced modeling of protein sequence and biophysical properties (such as structural, functional, and spatial information, amino acid conservation, physicochemical variation, residue mobility, and thermodynamic stability) performed at Invitae indicates that this missense variant is not expected to disrupt PLEC protein function with a negative predictive value of 80%. In summary, the available evidence is currently insufficient to determine the role of this variant in disease. Therefore, it has been classified as a Variant of Uncertain Significance.